The following is an entry in ClinVar:

ClinVar aggregate classification (germline): Likely pathogenic (1 of 4 stars; one submission).

Conditions:
Familial isolated deficiency of vitamin E (AVED). Also called: ATAXIA, FRIEDREICH-LIKE, WITH SELECTIVE VITAMIN E DEFICIENCY; Ataxia with isolated vitamin E deficiency. Identifiers: Orphanet 96, MedGen C1848533, MONDO:0010188, OMIM 277460.

Submission:

Natera, Inc.
Classification: Likely pathogenic for Ataxia with isolated vitamin E deficiency. Last evaluated: 2024-06-12. Review status: criteria provided, single submitter. Criteria: Natera Variant Classification Schema (03/2026). Collection method: clinical testing. Allele origin: germline.
Comment: The c.566_567insTTTCAATG variant in TTPA is a frameshift variant predicted to shift the reading frame beginning at codon 189 and leads to a stop codon 11 codons downstream. This variant is expected to result in nonsense mediated decay, truncation, or a dysfunctional protein product. This variant is rare in the general population with a frequency below the threshold expected for the associated phenotype(s). Given the available evidence, this variant is classified as Likely Pathogenic.

NM_000370.3(TTPA):c.566_567insTTTCAATG (p.Leu189fs)

Gene: TTPA (alpha tocopherol transfer protein; minus strand). Cytogenetic location: 8q12.3.
Variant type: Insertion.
Coding change: c.566_567insTTTCAATG on transcript NM_000370.3 (MANE Select); coding-DNA positions 566 to 567, TTTCAATG inserted.
Protein change: p.Leu189fs; shifts the reading frame from leucine 189.
Molecular consequence: frameshift variant. On other transcripts: non-coding transcript variant (3), intron variant (2).
Genome position: GRCh38 VCF-style: chr8-63064302-C-CCATTGAAA. GRCh37 (hg19) VCF-style: chr8-63976861-C-CCATTGAAA.
Other names: c.218_219insTTTCAATG, p.Leu73fs (NM_001413414.1); c.566_567insTTTCAATG, p.Leu189fs (NM_001413416.1); c.683_684insTTTCAATG, p.Leu228fs (NM_001413418.1); c.205-2878_205-2877insTTTCAATG (NM_001413417.1); c.359-2878_359-2877insTTTCAATG (NM_001413415.1); short protein forms L189fs, L228fs, L73fs.
Identifiers: ClinVar variation 4818275 (VCV004818275.1).